The following is an entry in ClinVar:

NM_012203.2(GRHPR):c.958G>T (p.Glu320Ter)

Gene: GRHPR (glyoxylate and hydroxypyruvate reductase; plus strand). Cytogenetic location: 9p13.2.
Variant type: single nucleotide variant.
Coding change: c.958G>T on transcript NM_012203.2 (MANE Select); coding-DNA position 958, G replaced by T.
Protein change: p.Glu320Ter; replaces glutamic acid 320 with a stop codon.
Molecular consequence: nonsense.
Genome position (GRCh38, 1-based): chr9:37,436,753, G>T. VCF-style: chr9-37436753-G-T. GRCh37 (hg19) VCF-style: chr9-37436750-G-T.
Other names: short protein forms E320*.
Identifiers: ClinVar variation 557220 (VCV000557220.9), dbSNP rs1331106064, ClinGen allele CA373445481.
Genomic context (GRCh38, chr9:37,436,753, plus strand): 5'-AGAACCCGCAACACCATGTCCTTGTTGGCAGCTAACAACTTGCTGGCTGGCCTGAGAGGG[G>T]AGCCGATGCCTAGTGAACTCAAGCTGTAGCCAAACAGTAGAGATGGAGGGCCGGGAAGCA-3'

ClinVar aggregate classification (germline): Conflicting classifications of pathogenicity. Review status: criteria provided, conflicting classifications (1 of 4 stars). 5 submissions from 5 submitters: Pathogenic (1); Likely pathogenic (2); Uncertain significance (1). 1 of the submissions does not count toward it. Last evaluated 2025-12-17.

Conditions:
Primary hyperoxaluria, type II (HP2). Also called: Primary hyperoxaluria type 2; D-GLYCERATE DEHYDROGENASE DEFICIENCY; GLYCERIC ACIDURIA; GLYOXYLATE REDUCTASE/HYDROXYPYRUVATE REDUCTASE DEFICIENCY; OXALOSIS II. Identifiers: Orphanet 416, Orphanet 93599, MedGen C0268165, MONDO:0009824, OMIM 260000. Disease mechanism: loss of function.

Allele frequency attached by ClinVar (database versions not stated): gnomAD 0.00001.
gnomAD v4.1: 3 of 1,613,946 alleles (0.00019%); highest among the groups gnomAD compares: Non-Finnish European, 0.00025%; no homozygotes.

Submissions (5):

Myriad Genetics, Inc.
Classification: Uncertain significance for Primary hyperoxaluria, type II. Last evaluated: 2025-12-17. Review status: criteria provided, single submitter. Criteria: Myriad Autosomal Dominant, Autosomal Recessive and X-Linked Classification Criteria (2023). Collection method: clinical testing. Allele origin: unknown.
Comment: NM_012203.1(GRHPR):c.958G>T(E320*) is a nonsense variant classified as a variant of uncertain significance in the context of primary hyperoxaluria type 2. E320* has been observed in a case with relevant disease (PMID: 36260161, 31685312). Relevant functional assessments of this variant are not available in the literature. E320* has not been observed in referenced population frequency databases. In summary, there is insufficient evidence to classify NM_012203.1(GRHPR):c.958G>T(E320*) as pathogenic or benign. Please note: this variant was assessed in the context of healthy population screening.

Fulgent Genetics
Classification: Likely pathogenic for Primary hyperoxaluria, type II. Last evaluated: 2024-04-05. Review status: criteria provided, single submitter. Criteria: ACMG Guidelines, 2015. Collection method: clinical testing. Allele origin: germline.

Baylor Genetics
Classification: Likely pathogenic for Primary hyperoxaluria, type II. Last evaluated: 2023-04-12. Review status: criteria provided, single submitter. Criteria: ACMG Guidelines, 2015. Collection method: clinical testing. Allele origin: unknown.

Labcorp Genetics (formerly Invitae), Labcorp
Classification: Pathogenic. Last evaluated: 2022-11-01. Review status: criteria provided, single submitter. Criteria: Invitae Variant Classification Sherloc (09022015). Collection method: clinical testing. Allele origin: germline.
Comment: This sequence change creates a premature translational stop signal (p.Glu320*) in the GRHPR gene. While this is not anticipated to result in nonsense mediated decay, it is expected to disrupt the last 9 amino acid(s) of the GRHPR protein. This variant is present in population databases (no rsID available, gnomAD 0.007%). This premature translational stop signal has been observed in individual(s) with primary hyperoxaluria type 2 (PMID: 31685312). ClinVar contains an entry for this variant (Variation ID: 557220). This variant disrupts a region of the GRHPR protein in which other variant(s) (p.Met322Arg) have been determined to be pathogenic (PMID: 11030416; Invitae). This suggests that this is a clinically significant region of the protein, and that variants that disrupt it are likely to be disease-causing. For these reasons, this variant has been classified as Pathogenic.

Counsyl
Classification: Uncertain significance for Primary hyperoxaluria, type II. Last evaluated: 2018-03-19. Review status: no assertion criteria provided. Collection method: clinical testing. Allele origin: unknown. Not counted in ClinVar's aggregate classification.

Literature cited by the submitters: PubMed 31685312 (cited by Myriad Genetics, Inc. and Labcorp Genetics (formerly Invitae), Labcorp); PubMed 36260161 (cited by Myriad Genetics, Inc.); PubMed 11030416 (cited by Labcorp Genetics (formerly Invitae), Labcorp).